The following is an entry in ClinVar:

NM_031885.5(BBS2):c.548C>T (p.Ser183Phe)

Gene: BBS2 (Bardet-Biedl syndrome 2; minus strand). Cytogenetic location: 16q13.
Variant type: single nucleotide variant.
Coding change: c.548C>T on transcript NM_031885.5 (MANE Select); coding-DNA position 548, C replaced by T.
Protein change: p.Ser183Phe; replaces serine 183 with phenylalanine.
Molecular consequence: missense variant. On other transcripts: non-coding transcript variant (5).
Genome position (GRCh38, 1-based): chr16:56,510,021, G>A on the plus strand (C>T on the coding strand, the complement: BBS2 is on the minus strand). VCF-style: chr16-56510021-G-A. GRCh37 (hg19) VCF-style: chr16-56543933-G-A.
Other names: c.548C>T, p.Ser183Phe (NM_001377456.1); short protein forms S183F.
Identifiers: ClinVar variation 4993931 (VCV004993931.1).

ClinVar aggregate classification (germline): Uncertain significance (1 of 4 stars; one submission).

Conditions:
BBS2-related disorder. Also called: BBS2-related condition; BBS2-related disorders. Identifiers: MedGen CN239228.

Submission:

PreventionGenetics, part of Exact Sciences
Classification: Uncertain significance for BBS2-related condition. Last evaluated: 2026-09-15. Review status: criteria provided, single submitter. Criteria: ACMG Guidelines, 2015. Collection method: clinical testing. Allele origin: germline.
Comment: The BBS2 c.548C>T variant is predicted to result in the amino acid substitution p.Ser183Phe. To our knowledge, this variant has not been reported in the literature or in a large population database (gnomAD), indicating this variant is rare. At this time, the clinical significance of this variant is uncertain due to the absence of conclusive functional and genetic evidence.